The following is an entry in ClinVar:

ClinVar aggregate classification (germline): Uncertain significance (1 of 4 stars; one submission).

Submission:

Labcorp Genetics (formerly Invitae), Labcorp
Classification: Uncertain significance. Last evaluated: 2024-11-21. Review status: criteria provided, single submitter. Criteria: Invitae Variant Classification Sherloc (09022015). Collection method: clinical testing. Allele origin: germline.
Comment: This sequence change replaces lysine, which is basic and polar, with glutamine, which is neutral and polar, at codon 807 of the BPTF protein (p.Lys807Gln). This variant is not present in population databases (gnomAD no frequency). This variant has not been reported in the literature in individuals affected with BPTF-related conditions. An algorithm developed to predict the effect of missense changes on protein structure and function (PolyPhen-2) suggests that this variant is likely to be disruptive. In summary, the available evidence is currently insufficient to determine the role of this variant in disease. Therefore, it has been classified as a Variant of Uncertain Significance.

NM_182641.4(BPTF):c.2041A>C (p.Lys681Gln)

Gene: BPTF (bromodomain PHD finger transcription factor; plus strand). Cytogenetic location: 17q24.2.
Variant type: single nucleotide variant.
Coding change: c.2041A>C on transcript NM_182641.4 (MANE Select); coding-DNA position 2041, A replaced by C.
Protein change: p.Lys681Gln; replaces lysine 681 with glutamine.
Molecular consequence: missense variant.
Genome position (GRCh38, 1-based): chr17:67,892,020, A>C. VCF-style: chr17-67892020-A-C. GRCh37 (hg19) VCF-style: chr17-65888136-A-C.
Other names: c.2419A>C, p.Lys807Gln (NM_004459.7); short protein forms K807Q, K681Q.
Identifiers: ClinVar variation 3721303 (VCV003721303.2).